The following is an entry in ClinVar:

NM_001355436.2(SPTB):c.877-19T>G

Gene: SPTB (spectrin beta, erythrocytic; minus strand). Cytogenetic location: 14q23.3.
Variant type: single nucleotide variant.
Coding change: c.877-19T>G on transcript NM_001355436.2 (MANE Select); 19 bases into the intron before coding-DNA position 877, T replaced by G.
Molecular consequence: intron variant.
Genome position (GRCh38, 1-based): chr14:64,799,953, A>C on the plus strand (T>G on the coding strand, the complement: SPTB is on the minus strand). VCF-style: chr14-64799953-A-C. GRCh37 (hg19) VCF-style: chr14-65266671-A-C.
Other names: p.?; c.877-19T>G (NM_001024858.4, NM_001355437.2).
Identifiers: ClinVar variation 1531563 (VCV001531563.9), dbSNP rs1477492870, ClinGen allele CA707749915.
Genomic context (GRCh38, chr14:64,799,953, plus strand): 5'-CTTTTCAATCATCTTCTCAGTCTCAATGGCATGGTCAATAACCTAAGGAATCATCTTCTT[A>C]CTTATTCTCATCAGAAGGGCAATGCCACCACTGAGGATATCAATGAGGACCACAATCAAG-3'

ClinVar aggregate classification (germline): Likely benign. Review status: criteria provided, multiple submitters, no conflicts (2 of 4 stars). 2 submissions from 2 submitters: Likely benign (2). Last evaluated 2025-06-24.

Allele frequency attached by ClinVar (database versions not stated): gnomAD exomes below 0.00001; TOPMed below 0.00001.
gnomAD v4.1: 1 of 1,613,688 alleles (0.000062%); highest among the groups gnomAD compares: Non-Finnish European, 0.000085%; no homozygotes.

Submissions (2):

Mayo Clinic Laboratories, Mayo Clinic
Classification: Likely benign. Last evaluated: 2025-06-24. Review status: criteria provided, single submitter. Criteria: ACMG Guidelines, 2015. Collection method: clinical testing. Allele origin: germline. Observed: 1 variant allele.
Comment: BP4, BP7, PM2_supporting

Labcorp Genetics (formerly Invitae), Labcorp
Classification: Likely benign. Last evaluated: 2021-09-24. Review status: criteria provided, single submitter. Criteria: Invitae Variant Classification Sherloc (09022015). Collection method: clinical testing. Allele origin: germline.